The following is an entry in ClinVar:

NM_012108.4(STAP1):c.262G>A (p.Ala88Thr)

Genes: STAP1 (signal transducing adaptor family member 1; plus strand), LOC123477751 (Sharpr-MPRA regulatory region 12077; plus strand). Cytogenetic location: 4q13.2.
Variant type: single nucleotide variant.
Coding change: c.262G>A on transcript NM_012108.4 (MANE Select); coding-DNA position 262, G replaced by A.
Protein change: p.Ala88Thr; replaces alanine 88 with threonine.
Molecular consequence: missense variant.
Genome position (GRCh38, 1-based): chr4:67,575,454, G>A. VCF-style: chr4-67575454-G-A. GRCh37 (hg19) VCF-style: chr4-68441172-G-A.
Other names: c.262G>A, p.Ala88Thr (NM_001317769.2); short protein forms A88T.
Identifiers: ClinVar variation 2620985 (VCV002620985.3), dbSNP rs776449527, ClinGen allele CA2937492.

ClinVar aggregate classification (germline): Uncertain significance (1 of 4 stars; one submission).

Allele frequency attached by ClinVar (database versions not stated): TOPMed 0.00001; ExAC 0.00002; gnomAD 0.00003; gnomAD exomes 0.00004.
gnomAD v4.1: 53 of 1,609,400 alleles (0.0033%); highest among the groups gnomAD compares: Non-Finnish European, 0.0043%; no homozygotes.

Submission:

Ambry Genetics
Classification: Uncertain significance. Last evaluated: 2025-07-03. Review status: criteria provided, single submitter. Criteria: Ambry Variant Classification Scheme 2023. Collection method: clinical testing. Allele origin: germline.
Comment: The p.A88T variant (also known as c.262G>A), located in coding exon 3 of the STAP1 gene, results from a G to A substitution at nucleotide position 262. The alanine at codon 88 is replaced by threonine, an amino acid with similar properties. This amino acid position is conserved. In addition, this alteration is predicted to be tolerated by in silico analysis. Based on the available evidence, the clinical significance of this variant remains unclear.